The following is an entry in ClinVar:

NM_003661.4(APOL1):c.187+4G>A

Gene: APOL1 (apolipoprotein L1; plus strand). Cytogenetic location: 22q12.3.
Variant type: single nucleotide variant.
Coding change: c.187+4G>A on transcript NM_003661.4 (MANE Select); 4 bases into the intron after coding-DNA position 187, G replaced by A.
Molecular consequence: intron variant.
Genome position (GRCh38, 1-based): chr22:36,257,411, G>A. VCF-style: chr22-36257411-G-A. GRCh37 (hg19) VCF-style: chr22-36653457-G-A.
Other names: c.235+4G>A (NM_145343.3); c.187+4G>A (NM_001136540.2); c.133+4G>A (NM_001362927.2, NM_001136541.2).
Identifiers: ClinVar variation 1518967 (VCV001518967.6), dbSNP rs751050753, ClinGen allele CA10208544.

ClinVar aggregate classification (germline): Uncertain significance (1 of 4 stars; one submission).

Allele frequency attached by ClinVar (database versions not stated): ExAC 0.00001; gnomAD exomes 0.00001.
gnomAD v4.1: 2 of 1,613,104 alleles (0.00012%); highest among the groups gnomAD compares: Admixed American, 0.0017%; no homozygotes.

Submission:

Labcorp Genetics (formerly Invitae), Labcorp
Classification: Uncertain significance. Last evaluated: 2021-10-10. Review status: criteria provided, single submitter. Criteria: Invitae Variant Classification Sherloc (09022015). Collection method: clinical testing. Allele origin: germline.
Comment: In summary, the available evidence is currently insufficient to determine the role of this variant in disease. Therefore, it has been classified as a Variant of Uncertain Significance. Variants that disrupt the consensus splice site are a relatively common cause of aberrant splicing (PMID: 17576681, 9536098). Algorithms developed to predict the effect of sequence changes on RNA splicing suggest that this variant is not likely to affect RNA splicing. This sequence change falls in intron 4 of the APOL1 gene. It does not directly change the encoded amino acid sequence of the APOL1 protein. It affects a nucleotide within the consensus splice site. This variant is present in population databases (rs751050753, ExAC 0.001%). This variant has not been reported in the literature in individuals affected with APOL1-related conditions.

Literature cited by the submitters: PubMed 17576681; PubMed 9536098.